The following is an entry in ClinVar:

NM_001098.3(ACO2):c.989C>T (p.Pro330Leu)

Gene: ACO2 (aconitase 2; plus strand). Cytogenetic location: 22q13.2.
Variant type: single nucleotide variant.
Coding change: c.989C>T on transcript NM_001098.3 (MANE Select); coding-DNA position 989, C replaced by T.
Protein change: p.Pro330Leu; replaces proline 330 with leucine.
Molecular consequence: missense variant.
Genome position (GRCh38, 1-based): chr22:41,518,529, C>T. VCF-style: chr22-41518529-C-T. GRCh37 (hg19) VCF-style: chr22-41914533-C-T.
Other names: short protein forms P330L.
Identifiers: ClinVar variation 1462673 (VCV001462673.8), dbSNP rs2146128552, ClinGen allele CA411723058.

ClinVar aggregate classification (germline): Uncertain significance (1 of 4 stars; one submission).

Submission:

Labcorp Genetics (formerly Invitae), Labcorp
Classification: Uncertain significance. Last evaluated: 2021-03-28. Review status: criteria provided, single submitter. Criteria: Invitae Variant Classification Sherloc (09022015). Collection method: clinical testing. Allele origin: germline.
Comment: This sequence change replaces proline with leucine at codon 330 of the ACO2 protein (p.Pro330Leu). The proline residue is weakly conserved and there is a moderate physicochemical difference between proline and leucine. This variant is not present in population databases (ExAC no frequency). This variant has not been reported in the literature in individuals with ACO2-related conditions. Advanced modeling of protein sequence and biophysical properties (such as structural, functional, and spatial information, amino acid conservation, physicochemical variation, residue mobility, and thermodynamic stability) performed at Invitae indicates that this missense variant is expected to disrupt ACO2 protein function. In summary, the available evidence is currently insufficient to determine the role of this variant in disease. Therefore, it has been classified as a Variant of Uncertain Significance.